The following is an entry in ClinVar:

ClinVar aggregate classification (germline): Uncertain significance. Review status: criteria provided, multiple submitters, no conflicts (2 of 4 stars). 2 submissions from 2 submitters: Uncertain significance (2). Last evaluated 2025-01-01.

Conditions:
Inborn genetic diseases. Identifiers: MedGen C0950123, MeSH D030342.

Allele frequency attached by ClinVar (database versions not stated): gnomAD exomes below 0.00001.
gnomAD v4.1: 1 of 1,613,988 alleles (0.000062%); highest among the groups gnomAD compares: African/African-American, 0.0013%; no homozygotes.

Submissions (2):

Ambry Genetics
Classification: Uncertain significance for Inborn genetic diseases. Last evaluated: 2025-01-01. Review status: criteria provided, single submitter. Criteria: Ambry Variant Classification Scheme 2023. Collection method: clinical testing. Allele origin: germline.

Laboratory for Molecular Medicine, Mass General Brigham Personalized Medicine
Classification: Uncertain significance. Last evaluated: 2020-06-04. Review status: criteria provided, single submitter. Criteria: LMM Criteria. Collection method: clinical testing. Allele origin: germline. Observed: 1 variant allele.
Comment: The p.Asn25Ser variant in CACNA1D has not been previously reported in individuals with hearing loss or sinoatrial node dysfunction and was absent from large population studies. Computational prediction tools and conservation analyses do not provide strong support for or against an impact to the protein. In summary, the clinical significance of this variant is uncertain. ACMG/AMP Criteria applied: PM2.

NM_001128840.3(CACNA1D):c.74A>G (p.Asn25Ser)

Gene: CACNA1D (calcium voltage-gated channel subunit alpha1 D; plus strand). Cytogenetic location: 3p21.1.
Variant type: single nucleotide variant.
Coding change: c.74A>G on transcript NM_001128840.3 (MANE Select); coding-DNA position 74, A replaced by G.
Protein change: p.Asn25Ser; replaces asparagine 25 with serine.
Molecular consequence: missense variant.
Genome position (GRCh38, 1-based): chr3:53,497,158, A>G. VCF-style: chr3-53497158-A-G. GRCh37 (hg19) VCF-style: chr3-53531185-A-G.
Other names: c.74A>G, p.Asn25Ser (NM_000720.4, NM_001128839.3); c.74A>G (NM_000720.2); short protein forms N25S.
Identifiers: ClinVar variation 1120067 (VCV001120067.5), dbSNP rs1415040812, ClinGen allele CA353381686.